The following is an entry in ClinVar:

ClinVar aggregate classification (germline): Uncertain significance (1 of 4 stars; one submission).

Conditions:
Developmental and epileptic encephalopathy, 37 (DEE37). Also called: Epileptic encephalopathy, early infantile, 37. Identifiers: MedGen C4310770, MONDO:0014859, OMIM 616981.

Allele frequency attached by ClinVar (database versions not stated): gnomAD exomes below 0.00001; ExAC 0.00001; ESP Exome Variant Server 0.00008.
gnomAD v4.1: 2 of 1,614,126 alleles (0.00012%); highest among the groups gnomAD compares: Non-Finnish European, 0.00017%; no homozygotes.

Submission:

Labcorp Genetics (formerly Invitae), Labcorp
Classification: Uncertain significance for Developmental and epileptic encephalopathy, 37. Last evaluated: 2021-08-26. Review status: criteria provided, single submitter. Criteria: Invitae Variant Classification Sherloc (09022015). Collection method: clinical testing. Allele origin: germline.
Comment: This sequence change replaces glutamic acid with lysine at codon 235 of the FRRS1L protein (p.Glu235Lys). The glutamic acid residue is highly conserved and there is a small physicochemical difference between glutamic acid and lysine. This variant is present in population databases (rs377165402, ExAC 0.001%). This variant has not been reported in the literature in individuals affected with FRRS1L-related conditions. Algorithms developed to predict the effect of missense changes on protein structure and function (SIFT, PolyPhen-2, Align-GVGD) all suggest that this variant is likely to be tolerated. In summary, the available evidence is currently insufficient to determine the role of this variant in disease. Therefore, it has been classified as a Variant of Uncertain Significance.

NM_014334.4(FRRS1L):c.550G>A (p.Glu184Lys)

Gene: FRRS1L (ferric chelate reductase 1 like; minus strand). Cytogenetic location: 9q31.3.
Variant type: single nucleotide variant.
Coding change: c.550G>A on transcript NM_014334.4 (MANE Select); coding-DNA position 550, G replaced by A.
Protein change: p.Glu184Lys; replaces glutamic acid 184 with lysine.
Molecular consequence: missense variant.
Genome position (GRCh38, 1-based): chr9:109,141,502, C>T on the plus strand (G>A on the coding strand, the complement: FRRS1L is on the minus strand). VCF-style: chr9-109141502-C-T. GRCh37 (hg19) VCF-style: chr9-111903782-C-T.
Other names: short protein forms E184K.
Identifiers: ClinVar variation 1041377 (VCV001041377.6), dbSNP rs377165402, ClinGen allele CA5177375.